The following is an entry in ClinVar:

NM_206926.2(SELENON):c.1422C>G (p.His474Gln)

Gene: SELENON (selenoprotein N; plus strand). Cytogenetic location: 1p36.11.
Variant type: single nucleotide variant.
Coding change: c.1422C>G on transcript NM_206926.2 (MANE Select); coding-DNA position 1422, C replaced by G.
Protein change: p.His474Gln; replaces histidine 474 with glutamine.
Molecular consequence: missense variant.
Genome position (GRCh38, 1-based): chr1:25,814,100, C>G. VCF-style: chr1-25814100-C-G. GRCh37 (hg19) VCF-style: chr1-26140591-C-G.
Other names: c.1524C>G (NM_020451.2); c.1524C>G, p.His508Gln (NM_020451.3); short protein forms H508Q, H474Q.
Identifiers: ClinVar variation 2067079 (VCV002067079.5), dbSNP rs1198379415, ClinGen allele CA339119817.

ClinVar aggregate classification (germline): Uncertain significance. Review status: criteria provided, multiple submitters, no conflicts (2 of 4 stars). 2 submissions from 2 submitters: Uncertain significance (2). Last evaluated 2024-02-13.

Conditions:
Eichsfeld type congenital muscular dystrophy (CMYO3). Also called: Rigid spine muscular dystrophy 1; MYOPATHY, SEPN1-RELATED; SELENON-related myopathy; Congenital myopathy 3 with rigid spine. Identifiers: MedGen C0410180, MONDO:0100100, OMIM 602771.
Inborn genetic diseases. Identifiers: MedGen C0950123, MeSH D030342.

gnomAD v4.1: 1 of 1,614,160 alleles (0.000062%); highest among the groups gnomAD compares: East Asian, 0.0022%; no homozygotes.

Submissions (2):

Ambry Genetics
Classification: Uncertain significance for Inborn genetic diseases. Last evaluated: 2024-02-13. Review status: criteria provided, single submitter. Criteria: Ambry Variant Classification Scheme 2023. Collection method: clinical testing. Allele origin: germline.

Labcorp Genetics (formerly Invitae), Labcorp
Classification: Uncertain significance for Eichsfeld type congenital muscular dystrophy. Last evaluated: 2021-12-30. Review status: criteria provided, single submitter. Criteria: Invitae Variant Classification Sherloc (09022015). Collection method: clinical testing. Allele origin: germline.
Comment: This variant has not been reported in the literature in individuals affected with SELENON-related conditions. This variant is present in population databases (no rsID available, gnomAD 0.006%). This sequence change replaces histidine, which is basic and polar, with glutamine, which is neutral and polar, at codon 508 of the SELENON protein (p.His508Gln). In summary, the available evidence is currently insufficient to determine the role of this variant in disease. Therefore, it has been classified as a Variant of Uncertain Significance. Algorithms developed to predict the effect of missense changes on protein structure and function (SIFT, PolyPhen-2, Align-GVGD) all suggest that this variant is likely to be tolerated.